The following is an entry in ClinVar:

NM_001099271.2(POC5):c.427G>A (p.Glu143Lys)

Gene: POC5 (POC5 centriolar protein; minus strand). Cytogenetic location: 5q13.3.
Variant type: single nucleotide variant.
Coding change: c.427G>A on transcript NM_001099271.2 (MANE Select); coding-DNA position 427, G replaced by A.
Protein change: p.Glu143Lys; replaces glutamic acid 143 with lysine.
Molecular consequence: missense variant.
Genome position (GRCh38, 1-based): chr5:75,702,691, C>T on the plus strand (G>A on the coding strand, the complement: POC5 is on the minus strand). VCF-style: chr5-75702691-C-T. GRCh37 (hg19) VCF-style: chr5-74998516-C-T.
Other names: c.352G>A, p.Glu118Lys (NM_152408.3); short protein forms E143K, E118K.
Identifiers: ClinVar variation 2593408 (VCV002593408.4), dbSNP rs745951530, ClinGen allele CA3310580.

ClinVar aggregate classification (germline): Uncertain significance. Review status: criteria provided, multiple submitters, no conflicts (2 of 4 stars). 2 submissions from 2 submitters: Uncertain significance (2). Last evaluated 2024-12-21.

Allele frequency attached by ClinVar (database versions not stated): gnomAD exomes 0.00001; ExAC 0.00002; TOPMed 0.00002; gnomAD 0.00003.

Submissions (2):

Labcorp Genetics (formerly Invitae), Labcorp
Classification: Uncertain significance. Last evaluated: 2024-12-21. Review status: criteria provided, single submitter. Criteria: Invitae Variant Classification Sherloc (09022015). Collection method: clinical testing. Allele origin: germline.
Comment: This sequence change replaces glutamic acid, which is acidic and polar, with lysine, which is basic and polar, at codon 143 of the POC5 protein (p.Glu143Lys). This variant is present in population databases (rs745951530, gnomAD 0.04%). This variant has not been reported in the literature in individuals affected with POC5-related conditions. ClinVar contains an entry for this variant (Variation ID: 2593408). An algorithm developed to predict the effect of missense changes on protein structure and function (PolyPhen-2) suggests that this variant is likely to be disruptive. In summary, the available evidence is currently insufficient to determine the role of this variant in disease. Therefore, it has been classified as a Variant of Uncertain Significance.

Ambry Genetics
Classification: Uncertain significance. Last evaluated: 2023-09-13. Review status: criteria provided, single submitter. Criteria: Ambry Variant Classification Scheme 2023. Collection method: clinical testing. Allele origin: germline.